The following is an entry in ClinVar:

NM_017763.6(RNF43):c.286GAC[1] (p.Asp97del)

Gene: RNF43 (ring finger protein 43; minus strand). Cytogenetic location: 17q22.
Variant type: Microsatellite.
Coding change: c.286GAC[1] on transcript NM_017763.6 (MANE Select); one copy of the 3-base unit GAC starting at c.286; the reference has two copies in a row; one copy, 3 bases deleted.
Protein change: p.Asp97del; deletes aspartic acid 97.
Molecular consequence: inframe deletion. On other transcripts: inframe indel (1).
Genome position (GRCh38, 1-based): chr17:58,370,995-58,370,997, GTC deleted on the plus strand (GAC on the coding strand, the reverse complement: RNF43 is on the minus strand); deleting any 3 consecutive bases within chr17:58,370,995-58,371,000 gives the same sequence; the position shown is the placement nearest the transcript's 3' end. VCF-style (leftmost placement, unchanged base first): chr17-58370994-TGTC-T. GRCh37 (hg19) VCF-style: chr17-56448355-TGTC-T.
Other names: c.286_288GAC[1], p.Asp97del (NM_001305544.3); c.-96_-94GAC[1] (NM_001305545.2); short protein forms D97del.
Identifiers: ClinVar variation 1487616 (VCV001487616.6), dbSNP rs2143515587, ClinGen allele CA2580613341.

ClinVar aggregate classification (germline): Uncertain significance (1 of 4 stars; one submission).

Submission:

Labcorp Genetics (formerly Invitae), Labcorp
Classification: Uncertain significance. Last evaluated: 2025-08-07. Review status: criteria provided, single submitter. Criteria: Invitae Variant Classification Sherloc (09022015). Collection method: clinical testing. Allele origin: germline.
Comment: This variant, c.289_291del, results in the deletion of 1 amino acid(s) of the RNF43 protein (p.Asp97del), but otherwise preserves the integrity of the reading frame. This variant is not present in population databases (gnomAD no frequency). This variant has not been reported in the literature in individuals affected with RNF43-related conditions. Experimental studies and prediction algorithms are not available or were not evaluated, and the functional significance of this variant is currently unknown. In summary, the available evidence is currently insufficient to determine the role of this variant in disease. Therefore, it has been classified as a Variant of Uncertain Significance.